The following is an entry in ClinVar:

ClinVar aggregate classification (germline): Benign/Likely benign. Review status: criteria provided, multiple submitters, no conflicts (2 of 4 stars). 3 submissions from 3 submitters: Benign (1); Likely benign (1). 1 of the submissions does not count toward it. Last evaluated 2026-01-24.

Conditions:
DNAH8-related disorder. Also called: DNAH8-related condition.
Primary ciliary dyskinesia. Also called: Ciliary dyskinesia. Identifiers: Orphanet 244, MedGen C0008780, MONDO:0016575, HP:0012265.

Allele frequency attached by ClinVar (database versions not stated): gnomAD exomes 0.00026 and 0.00081; ExAC 0.00100; gnomAD 0.00298 and 0.00312; TOPMed 0.00346; ESP Exome Variant Server 0.00369; 1000 Genomes Project 30x 0.00437; 1000 Genomes Project 0.00439.
gnomAD v4.1: 847 of 1,611,290 alleles (0.053%); highest among the groups gnomAD compares: African/African-American, 1%; 4 homozygotes.

Submissions (3):

Labcorp Genetics (formerly Invitae), Labcorp
Classification: Benign for Primary ciliary dyskinesia. Last evaluated: 2026-01-24. Review status: criteria provided, single submitter. Criteria: Invitae Variant Classification Sherloc (09022015). Collection method: clinical testing. Allele origin: germline.

Blueprint Genetics
Classification: Likely benign. Last evaluated: 2024-10-16. Review status: criteria provided, single submitter. Criteria: ACMG Guidelines, 2015. Collection method: clinical testing. Allele origin: germline.

PreventionGenetics, part of Exact Sciences
Classification: Likely benign for DNAH8-related condition. Last evaluated: 2020-01-27. Review status: no assertion criteria provided. Collection method: clinical testing. Allele origin: germline. Not counted in ClinVar's aggregate classification.
Comment: This variant is classified as likely benign based on ACMG/AMP sequence variant interpretation guidelines (Richards et al. 2015 PMID: 25741868, with internal and published modifications).

NM_001206927.2(DNAH8):c.11340A>G (p.Leu3780=)

Genes: DNAH8 (dynein axonemal heavy chain 8; plus strand), DNAH8-AS1 (DNAH8 antisense RNA 1; minus strand). Cytogenetic location: 6p21.2.
Variant type: single nucleotide variant.
Coding change: c.11340A>G on transcript NM_001206927.2 (MANE Select); coding-DNA position 11340, A replaced by G.
Protein change: p.Leu3780=; no amino-acid change (leucine 3780 retained).
Molecular consequence: synonymous variant.
Genome position (GRCh38, 1-based): chr6:38,931,876, A>G. VCF-style: chr6-38931876-A-G. GRCh37 (hg19) VCF-style: chr6-38899652-A-G.
Other names: c.10689A>G, p.Leu3563= (NM_001371.4).
Identifiers: ClinVar variation 414405 (VCV000414405.15), dbSNP rs113024778, ClinGen allele CA3791019.